The following is an entry in ClinVar:

NM_000059.4(BRCA2):c.8015T>C (p.Ile2672Thr)

Gene: BRCA2 (BRCA2 DNA repair associated; plus strand). Cytogenetic location: 13q13.1.
Variant type: single nucleotide variant.
Coding change: c.8015T>C on transcript NM_000059.4 (MANE Select); coding-DNA position 8015, T replaced by C.
Protein change: p.Ile2672Thr; replaces isoleucine 2672 with threonine.
Molecular consequence: missense variant.
Genome position (GRCh38, 1-based): chr13:32,363,217, T>C. VCF-style: chr13-32363217-T-C. GRCh37 (hg19) VCF-style: chr13-32937354-T-C.
Other names: short protein forms I2672T.
Identifiers: ClinVar variation 923655 (VCV000923655.3), dbSNP rs201483108, ClinGen allele CA6941181.

ClinVar aggregate classification (germline): Uncertain significance (1 of 4 stars; one submission).

Conditions:
Hereditary cancer-predisposing syndrome. Also called: Neoplastic Syndromes, Hereditary; Tumor predisposition; Hereditary Cancer Syndrome; Hereditary neoplastic syndrome. Identifiers: Orphanet 140162, MedGen C0027672, MeSH D009386, MONDO:0015356.

Allele frequency attached by ClinVar (database versions not stated): ExAC 0.00001; gnomAD 0.00001; 1000 Genomes Project 0.00020; 1000 Genomes Project 30x 0.00031.
gnomAD v4.1: 1 of 1,613,942 alleles (0.000062%); highest among the groups gnomAD compares: African/African-American, 0.0013%; no homozygotes.

Submission:

Color Diagnostics, LLC DBA Color Health
Classification: Uncertain significance for Hereditary cancer-predisposing syndrome. Last evaluated: 2019-11-07. Review status: criteria provided, single submitter. Criteria: ACMG Guidelines, 2015. Collection method: clinical testing. Allele origin: germline.
Comment: This missense variant replaces isoleucine with threonine at codon 2672 of the BRCA2 protein. Computational prediction tool suggests that this variant may have deleterious impact on protein structure and function (internally defined REVEL score threshold ≥ 0.7, PMID: 27666373). Splice site prediction tools suggest that this variant may not impact RNA splicing. A functional study has shown that the variant has moderate impact on homology-directed DNA repair (PMID: 29884841). This variant has not been identified in the general population by the Genome Aggregation Database (gnomAD). The available evidence is insufficient to determine the role of this variant in disease conclusively. Therefore, this variant is classified as a Variant of Uncertain Significance.